The following is an entry in ClinVar:

ClinVar aggregate classification (germline): Benign. Review status: criteria provided, multiple submitters, no conflicts (2 of 4 stars). 2 submissions from 2 submitters: Benign (2). Last evaluated 2016-03-29.

Allele frequency attached by ClinVar (database versions not stated): gnomAD exomes 0.20382; ExAC 0.20828; gnomAD 0.22136 and 0.22303; TOPMed 0.22536; 1000 Genomes Project 0.24042; 1000 Genomes Project 30x 0.24313.

Submissions (2):

Laboratory for Molecular Medicine, Mass General Brigham Personalized Medicine
Classification: Benign. Last evaluated: 2016-03-29. Review status: criteria provided, single submitter. Criteria: LMM Criteria. Collection method: clinical testing. Allele origin: germline.
Comment: Variant identified in a genome or exome case(s) and assessed due to predicted null impact of the variant or pathogenic assertions in the literature or databases. Disclaimer: This variant has not undergone full assessment. The following are preliminary notes: MAF

Breakthrough Genomics
Classification: Benign. Review status: criteria provided, single submitter. Criteria: ACMG Guidelines, 2015. Collection method: not provided. Allele origin: germline. Inheritance: Unknown mechanism. Affected: yes.

NM_001288962.2(TRIP10):c.*71T>G

Gene: TRIP10 (thyroid hormone receptor interactor 10; plus strand). Cytogenetic location: 19p13.3.
Variant type: single nucleotide variant.
Coding change: c.*71T>G on transcript NM_001288962.2 (MANE Select); 71 bases downstream of the stop codon, T replaced by G.
Molecular consequence: 3 prime UTR variant. On other transcripts: missense variant (1), non-coding transcript variant (1).
Genome position (GRCh38, 1-based): chr19:6,751,282, T>G. VCF-style: chr19-6751282-T-G. GRCh37 (hg19) VCF-style: chr19-6751293-T-G.
Other names: c.1738T>G, p.Cys580Gly (NM_001288963.3); c.*71T>G (NM_004240.4); short protein forms C580G.
Identifiers: ClinVar variation 403569 (VCV000403569.5), dbSNP rs1049232, ClinGen allele CA9131539.
Genomic context (GRCh38, chr19:6,751,282, plus strand): 5'-AGACGGGAAGAGGGGGGCTGTCGGCTGCTGCTTCTGGGCCACGGGGAGCCCCAGGACCTA[T>G]GCACTTTATTTCTGACCCCGTGGCTTCGGCTGAGACCTGTGTAACCTGCTGCCCCCTCCA-3'